The following is an entry in ClinVar:

ClinVar aggregate classification (germline): Uncertain significance (1 of 4 stars; one submission).

Conditions:
Cardiovascular phenotype. Identifiers: MedGen CN230736.

Submission:

Ambry Genetics
Classification: Uncertain significance for Cardiovascular phenotype. Last evaluated: 2025-01-19. Review status: criteria provided, single submitter. Criteria: Ambry Variant Classification Scheme 2023. Collection method: clinical testing. Allele origin: germline.
Comment: The p.G3232E variant (also known as c.9695G>A), located in coding exon 40 of the AKAP9 gene, results from a G to A substitution at nucleotide position 9695. The glycine at codon 3232 is replaced by glutamic acid, an amino acid with similar properties. This amino acid position is conserved. In addition, this alteration is predicted to be tolerated by in silico analysis. Based on the available evidence, the clinical significance of this variant remains unclear.

NM_005751.5(AKAP9):c.9695G>A (p.Gly3232Glu)

Gene: AKAP9 (A-kinase anchoring protein 9; plus strand). Cytogenetic location: 7q21.2.
Variant type: single nucleotide variant.
Coding change: c.9695G>A on transcript NM_005751.5 (MANE Select); coding-DNA position 9695, G replaced by A.
Protein change: p.Gly3232Glu; replaces glycine 3232 with glutamic acid.
Molecular consequence: missense variant.
Genome position (GRCh38, 1-based): chr7:92,095,139, G>A. VCF-style: chr7-92095139-G-A. GRCh37 (hg19) VCF-style: chr7-91724453-G-A.
Other names: c.4340G>A, p.Gly1447Glu (NM_001379277.1); c.9671G>A, p.Gly3224Glu (NM_147185.3); short protein forms G3224E, G1447E, G3232E.
Identifiers: ClinVar variation 3849448 (VCV003849448.1).